The following is an entry in ClinVar:

ClinVar aggregate classification (germline): Uncertain significance (1 of 4 stars; one submission).

Allele frequency attached by ClinVar (database versions not stated): gnomAD 0.00001; gnomAD exomes 0.00001; TOPMed 0.00001.
gnomAD v4.1: 12 of 1,613,980 alleles (0.00074%); highest among the groups gnomAD compares: East Asian, 0.0022%; no homozygotes.

Submission:

Labcorp Genetics (formerly Invitae), Labcorp
Classification: Uncertain significance. Last evaluated: 2022-04-13. Review status: criteria provided, single submitter. Criteria: Invitae Variant Classification Sherloc (09022015). Collection method: clinical testing. Allele origin: germline.
Comment: This sequence change replaces proline, which is neutral and non-polar, with leucine, which is neutral and non-polar, at codon 1004 of the ELP1 protein (p.Pro1004Leu). This variant is present in population databases (no rsID available, gnomAD 0.0009%). This variant has not been reported in the literature in individuals affected with ELP1-related conditions. Algorithms developed to predict the effect of missense changes on protein structure and function output the following: SIFT: "Tolerated"; PolyPhen-2: "Benign"; Align-GVGD: "Class C0". The leucine amino acid residue is found in multiple mammalian species, which suggests that this missense change does not adversely affect protein function. In summary, the available evidence is currently insufficient to determine the role of this variant in disease. Therefore, it has been classified as a Variant of Uncertain Significance.

NM_003640.5(ELP1):c.3011C>T (p.Pro1004Leu)

Gene: ELP1 (elongator acetyltransferase complex subunit 1; minus strand). Cytogenetic location: 9q31.3.
Variant type: single nucleotide variant.
Coding change: c.3011C>T on transcript NM_003640.5 (MANE Select); coding-DNA position 3011, C replaced by T.
Protein change: p.Pro1004Leu; replaces proline 1004 with leucine.
Molecular consequence: missense variant.
Genome position (GRCh38, 1-based): chr9:108,891,352, G>A on the plus strand (C>T on the coding strand, the complement: ELP1 is on the minus strand). VCF-style: chr9-108891352-G-A. GRCh37 (hg19) VCF-style: chr9-111653632-G-A.
Other names: c.2669C>T, p.Pro890Leu (NM_001318360.2); c.1964C>T, p.Pro655Leu (NM_001330749.2); short protein forms P1004L, P655L, P890L.
Identifiers: ClinVar variation 2072314 (VCV002072314.1), dbSNP rs1377217537, ClinGen allele CA374417165.